The following is an entry in ClinVar:

ClinVar aggregate classification (germline): Likely benign (1 of 4 stars; one submission).

Submission:

GeneDx
Classification: Likely benign. Last evaluated: 2018-03-30. Review status: criteria provided, single submitter. Criteria: GeneDx Variant Classification (06012015). Collection method: clinical testing. Allele origin: germline. Affected: yes.
Comment: This variant is considered likely benign or benign based on one or more of the following criteria: it is a conservative change, it occurs at a poorly conserved position in the protein, it is predicted to be benign by multiple in silico algorithms, and/or has population frequency not consistent with disease.

NM_144991.3(TSPEAR):c.576A>G (p.Ser192=)

Gene: TSPEAR (thrombospondin type laminin G domain and EAR repeats; minus strand). Cytogenetic location: 21q22.3.
Variant type: single nucleotide variant.
Coding change: c.576A>G on transcript NM_144991.3 (MANE Select); coding-DNA position 576, A replaced by G.
Protein change: p.Ser192=; no amino-acid change (serine 192 retained).
Molecular consequence: synonymous variant.
Genome position (GRCh38, 1-based): chr21:44,531,100, T>C on the plus strand (A>G on the coding strand, the complement: TSPEAR is on the minus strand). VCF-style: chr21-44531100-T-C. GRCh37 (hg19) VCF-style: chr21-45950983-T-C.
Other names: c.372A>G, p.Ser124= (NM_001272037.2).
Identifiers: ClinVar variation 680866 (VCV000680866.1), dbSNP rs1601372754, ClinGen allele CA512530042.